The following is an entry in ClinVar:

ClinVar aggregate classification (germline): Uncertain significance (1 of 4 stars; one submission).

Conditions:
RYR1-related disorder. Also called: RYR1-related condition; RYR1-related disorders. Identifiers: MedGen CN239331.

Submission:

Labcorp Genetics (formerly Invitae), Labcorp
Classification: Uncertain significance for RYR1-related disorder. Last evaluated: 2019-11-28. Review status: criteria provided, single submitter. Criteria: Invitae Variant Classification Sherloc (09022015). Collection method: clinical testing. Allele origin: germline.
Comment: In summary, the available evidence is currently insufficient to determine the role of this variant in disease. Therefore, it has been classified as a Variant of Uncertain Significance. This missense change is located in a region of the RYR1 protein where a significant number of previously reported RYR1 missense mutations are found (PMID: 16084090). These observations suggest that this may be a clinically significant region of the protein. Algorithms developed to predict the effect of missense changes on protein structure and function are either unavailable or do not agree on the potential impact of this missense change (SIFT: "Tolerated"; PolyPhen-2: "Possibly Damaging"; Align-GVGD: "Class C0"). This variant has not been reported in the literature in individuals with RYR1-related conditions. ClinVar contains an entry for this variant (Variation ID: 664220). This variant is not present in population databases (ExAC no frequency). This sequence change replaces alanine with proline at codon 4573 of the RYR1 protein (p.Ala4573Pro). The alanine residue is moderately conserved and there is a small physicochemical difference between alanine and proline.

Literature cited by the submitters: PubMed 16084090.

NM_000540.3(RYR1):c.13717G>C (p.Ala4573Pro)

Gene: RYR1 (ryanodine receptor 1; plus strand). Cytogenetic location: 19q13.2.
Variant type: single nucleotide variant.
Coding change: c.13717G>C on transcript NM_000540.3 (MANE Select); coding-DNA position 13717, G replaced by C.
Protein change: p.Ala4573Pro; replaces alanine 4573 with proline.
Molecular consequence: missense variant.
Genome position (GRCh38, 1-based): chr19:38,570,664, G>C. VCF-style: chr19-38570664-G-C. GRCh37 (hg19) VCF-style: chr19-39061304-G-C.
Other names: c.13702G>C, p.Ala4568Pro (NM_001042723.2); short protein forms A4568P, A4573P.
Identifiers: ClinVar variation 664220 (VCV000664220.10), dbSNP rs1273456307, ClinGen allele CA405678889.